The following is an entry in ClinVar:

ClinVar aggregate classification (germline): Conflicting classifications of pathogenicity. Review status: criteria provided, conflicting classifications (1 of 4 stars). 4 submissions from 4 submitters: Uncertain significance (3); Likely benign (1). Last evaluated 2022-07-05.

Conditions:
Inborn genetic diseases. Identifiers: MedGen C0950123, MeSH D030342.
Predisposition to invasive fungal disease due to CARD9 deficiency (IMD103). Also called: IMMUNODEFICIENCY 103, SUSCEPTIBILITY TO FUNGAL INFECTIONS; Candidiasis, familial, 2, autosomal recessive; CARD9 IMMUNODEFICIENCY. Identifiers: Orphanet 457088, MedGen C1859353, MONDO:0008905, OMIM 212050.

Allele frequency attached by ClinVar (database versions not stated): gnomAD exomes 0.00004 and 0.00008; TOPMed 0.00004; gnomAD 0.00007 and 0.00008; ESP Exome Variant Server 0.00008; ExAC 0.00013.

Submissions (4):

Labcorp Genetics (formerly Invitae), Labcorp
Classification: Uncertain significance for Predisposition to invasive fungal disease due to CARD9 deficiency. Last evaluated: 2022-07-05. Review status: criteria provided, single submitter. Criteria: Invitae Variant Classification Sherloc (09022015). Collection method: clinical testing. Allele origin: germline.
Comment: This sequence change replaces arginine, which is basic and polar, with glutamine, which is neutral and polar, at codon 415 of the CARD9 protein (p.Arg415Gln). The frequency data for this variant in the population databases is considered unreliable, as metrics indicate poor data quality at this position in the gnomAD database. This variant has not been reported in the literature in individuals affected with CARD9-related conditions. ClinVar contains an entry for this variant (Variation ID: 837540). Algorithms developed to predict the effect of missense changes on protein structure and function output the following: SIFT: "Tolerated"; PolyPhen-2: "Benign"; Align-GVGD: "Class C0". The glutamine amino acid residue is found in multiple mammalian species, which suggests that this missense change does not adversely affect protein function. In summary, the available evidence is currently insufficient to determine the role of this variant in disease. Therefore, it has been classified as a Variant of Uncertain Significance.

Fulgent Genetics
Classification: Uncertain significance for Predisposition to invasive fungal disease due to CARD9 deficiency. Last evaluated: 2022-05-23. Review status: criteria provided, single submitter. Criteria: ACMG Guidelines, 2015. Collection method: clinical testing. Allele origin: unknown.

Ambry Genetics
Classification: Likely benign for Inborn genetic diseases. Last evaluated: 2021-08-13. Review status: criteria provided, single submitter. Criteria: Ambry Variant Classification Scheme 2023. Collection method: clinical testing. Allele origin: germline.

Center for Genomics, Ann and Robert H. Lurie Children's Hospital of Chicago
Classification: Uncertain significance for Predisposition to invasive fungal disease due to CARD9 deficiency. Last evaluated: 2021-03-30. Review status: criteria provided, single submitter. Criteria: ACMG Guidelines, 2015. Collection method: clinical testing. Allele origin: germline.
Comment: CARD9 NM_052813.4 exon 8 p.Arg415Gln (c.1244G>A): This variant has not been reported in the literature but is present in 0.006% (1/14324) of African alleles in the Genome Aggregation Database. This variant is present in ClinVar (Variation ID:837540). This variant amino acid Glutamine (Gln) is present in >10 species including mammals and is not well conserved among evolutionarily distant species; this suggests that this variant may not impact the protein. Additional computational prediction tools do not suggest an impact. In summary, data on this variant is insufficient for disease classification. Therefore, the clinical significance of this variant is uncertain.

NM_052813.5(CARD9):c.1244G>A (p.Arg415Gln)

Gene: CARD9 (caspase recruitment domain family member 9; minus strand). Cytogenetic location: 9q34.3.
Variant type: single nucleotide variant.
Coding change: c.1244G>A on transcript NM_052813.5 (MANE Select); coding-DNA position 1244, G replaced by A.
Protein change: p.Arg415Gln; replaces arginine 415 with glutamine.
Molecular consequence: missense variant.
Genome position (GRCh38, 1-based): chr9:136,367,662, C>T on the plus strand (G>A on the coding strand, the complement: CARD9 is on the minus strand). VCF-style: chr9-136367662-C-T. GRCh37 (hg19) VCF-style: chr9-139262114-C-T.
Other names: c.1244G>A, p.Arg415Gln (NM_052814.4); short protein forms R415Q.
Identifiers: ClinVar variation 837540 (VCV000837540.10), dbSNP rs147340708, ClinGen allele CA5332786.